The following is an entry in ClinVar:

NM_147127.5(EVC2):c.1159A>G (p.Thr387Ala)

Genes: EVC2 (EvC ciliary complex subunit 2; minus strand), LOC126806961 (BRD4-independent group 4 enhancer GRCh37_chr4:5641443-5642642; plus strand). Cytogenetic location: 4p16.2.
Variant type: single nucleotide variant.
Coding change: c.1159A>G on transcript NM_147127.5 (MANE Select); coding-DNA position 1159, A replaced by G.
Protein change: p.Thr387Ala; replaces threonine 387 with alanine.
Molecular consequence: missense variant.
Genome position (GRCh38, 1-based): chr4:5,640,825, T>C on the plus strand (A>G on the coding strand, the complement: EVC2 is on the minus strand). VCF-style: chr4-5640825-T-C. GRCh37 (hg19) VCF-style: chr4-5642552-T-C.
Other names: c.919A>G, p.Thr307Ala (NM_001166136.2); short protein forms T307A, T387A.
Identifiers: ClinVar variation 2191422 (VCV002191422.4), dbSNP rs1206648663, ClinGen allele CA356152943.

ClinVar aggregate classification (germline): Uncertain significance (1 of 4 stars; one submission).

Conditions:
Ellis-van Creveld syndrome (EVC). Also called: EVC-Related Ellis-van Creveld Syndrome; EVC2-Related Ellis-van Creveld Syndrome; Chondroectodermal dysplasia; MESOECTODERMAL DYSPLASIA. Identifiers: Orphanet 289, MedGen C0013903, MONDO:0009162, OMIM 225500.
Curry-Hall syndrome (WAD). Also called: WEYERS ACRODENTAL DYSOSTOSIS. Identifiers: Orphanet 952, MedGen C0457013, MONDO:0008673, OMIM 193530.

Allele frequency attached by ClinVar (database versions not stated): gnomAD exomes below 0.00001.
gnomAD v4.1: 1 of 1,614,128 alleles (0.000062%); highest among the groups gnomAD compares: Admixed American, 0.0017%; no homozygotes.

Submission:

Labcorp Genetics (formerly Invitae), Labcorp
Classification: Uncertain significance for Curry-Hall syndrome; Ellis-van Creveld syndrome. Last evaluated: 2024-02-16. Review status: criteria provided, single submitter. Criteria: Invitae Variant Classification Sherloc (09022015). Collection method: clinical testing. Allele origin: germline.
Comment: This sequence change replaces threonine, which is neutral and polar, with alanine, which is neutral and non-polar, at codon 387 of the EVC2 protein (p.Thr387Ala). This variant is present in population databases (no rsID available, gnomAD 0.003%). This variant has not been reported in the literature in individuals affected with EVC2-related conditions. ClinVar contains an entry for this variant (Variation ID: 2191422). An algorithm developed to predict the effect of missense changes on protein structure and function (PolyPhen-2) suggests that this variant is likely to be disruptive. In summary, the available evidence is currently insufficient to determine the role of this variant in disease. Therefore, it has been classified as a Variant of Uncertain Significance.